The following is an entry in ClinVar:

NM_001144967.3(NEDD4L):c.638A>G (p.Asn213Ser)

Gene: NEDD4L (NEDD4 like E3 ubiquitin protein ligase; plus strand). Cytogenetic location: 18q21.31.
Variant type: single nucleotide variant.
Coding change: c.638A>G on transcript NM_001144967.3 (MANE Select); coding-DNA position 638, A replaced by G.
Protein change: p.Asn213Ser; replaces asparagine 213 with serine.
Molecular consequence: missense variant.
Genome position (GRCh38, 1-based): chr18:58,325,120, A>G. VCF-style: chr18-58325120-A-G. GRCh37 (hg19) VCF-style: chr18-55992352-A-G.
Other names: c.638A>G (NM_015277.5); c.275A>G, p.Asn92Ser (NM_001144964.1, NM_001144965.2, NM_001144966.3 and 2 more transcripts); c.614A>G, p.Asn205Ser (NM_001144968.2, NM_001144969.2); c.638A>G, p.Asn213Ser (NM_001243960.2, NM_015277.6); short protein forms N205S, N213S, N92S.
Identifiers: ClinVar variation 1971689 (VCV001971689.8), dbSNP rs2059195284, ClinGen allele CA402552835.
Genomic context (GRCh38, chr18:58,325,120, plus strand): 5'-CTCCTCTGCCTCCCGGGTGGGAAGAAAAAGTGGACAATTTAGGCCGAACTTACTATGTCA[A>G]CCACAACAACCGGACCACTCAGTGGCACAGACCAAGCCTGATGTGAGTACCGTGTGATGG-3'
Protein context (NP_001138439.1, residues 203-223): VDNLGRTYYV[Asn213Ser]HNNRTTQWHR

ClinVar aggregate classification (germline): Uncertain significance. Review status: criteria provided, multiple submitters, no conflicts (2 of 4 stars). 2 submissions from 2 submitters: Uncertain significance (2). Last evaluated 2024-12-22.

Conditions:
Periventricular nodular heterotopia 7 (PVNH7). Identifiers: MedGen C4310669, MONDO:0014966, OMIM 617201.

Allele frequency attached by ClinVar (database versions not stated): gnomAD exomes below 0.00001; TOPMed below 0.00001.
gnomAD v4.1: 3 of 1,614,040 alleles (0.00019%); highest among the groups gnomAD compares: Non-Finnish European, 0.00025%; no homozygotes.

Submissions (2):

Labcorp Genetics (formerly Invitae), Labcorp
Classification: Uncertain significance. Last evaluated: 2024-12-22. Review status: criteria provided, single submitter. Criteria: Invitae Variant Classification Sherloc (09022015). Collection method: clinical testing. Allele origin: germline.
Comment: This sequence change replaces asparagine, which is neutral and polar, with serine, which is neutral and polar, at codon 213 of the NEDD4L protein (p.Asn213Ser). This variant is not present in population databases (gnomAD no frequency). This variant has not been reported in the literature in individuals affected with NEDD4L-related conditions. ClinVar contains an entry for this variant (Variation ID: 1971689). Invitae Evidence Modeling of protein sequence and biophysical properties (such as structural, functional, and spatial information, amino acid conservation, physicochemical variation, residue mobility, and thermodynamic stability) indicates that this missense variant is not expected to disrupt NEDD4L protein function with a negative predictive value of 80%. In summary, the available evidence is currently insufficient to determine the role of this variant in disease. Therefore, it has been classified as a Variant of Uncertain Significance.

Revvity Omics, Revvity
Classification: Uncertain significance for Periventricular nodular heterotopia 7. Last evaluated: 2019-05-09. Review status: criteria provided, single submitter. Criteria: ACMG Guidelines, 2015. Collection method: clinical testing. Allele origin: germline.